The following is an entry in ClinVar:

NM_016373.4(WWOX):c.918del (p.Glu306fs)

Gene: WWOX (WW domain containing oxidoreductase; plus strand). Cytogenetic location: 16q23.1.
Variant type: Deletion.
Coding change: c.918del on transcript NM_016373.4 (MANE Select); coding-DNA position 918, one base deleted (G; older notation c.918delG).
Protein change: p.Glu306fs; shifts the reading frame from glutamic acid 306.
Molecular consequence: frameshift variant.
Genome position (GRCh38, 1-based): chr16:78,432,614, G deleted. VCF-style (leftmost placement, unchanged base first): chr16-78432613-AG-A. GRCh37 (hg19) VCF-style: chr16-78466510-AG-A.
Other names: c.579del, p.Glu193fs (NM_001291997.2); short protein forms E193fs, E306fs.
Identifiers: ClinVar variation 373950 (VCV000373950.14), dbSNP rs1057518795, ClinGen allele CA16043515.

ClinVar aggregate classification (germline): Pathogenic/Likely pathogenic. Review status: criteria provided, multiple submitters, no conflicts (2 of 4 stars). 5 submissions from 4 submitters: Pathogenic (3); Likely pathogenic (1). 1 of the submissions does not count toward it. Last evaluated 2024-09-20.

Conditions:
Epileptic encephalopathy. Identifiers: MedGen C0543888, HP:0200134.
WWOX-related disorder. Also called: WWOX-related condition.
Autosomal recessive spinocerebellar ataxia 12. Also called: SPINOCEREBELLAR ATAXIA WITH MENTAL RETARDATION AND EPILEPSY. Identifiers: Orphanet 284282, MedGen C3280452, MONDO:0013687, OMIM 614322.
Developmental and epileptic encephalopathy, 1 (DEE1). Also called: INFANTILE SPASM SYNDROME, X-LINKED 1; X-linked infantile spasms; West's syndrome; Tonic spasms with clustering, arrest of psychomotor development and hypsarrhythmia on EEG; X-Linked Infantile Spasm Syndrome; OHTAHARA SYNDROME, X-LINKED. Identifiers: MedGen C3463992, MONDO:0010632, OMIM 308350. Disease mechanism: loss of function.
Developmental and epileptic encephalopathy, 28 (DEE28). Also called: Epileptic encephalopathy, early infantile, 28. Identifiers: Orphanet 442835, MedGen C4015519, MONDO:0014533, OMIM 616211.

Allele frequency attached by ClinVar (database versions not stated): gnomAD exomes below 0.00001.

Submissions (5):

Kids Research, The Children's Hospital at Westmead
Classification: Pathogenic for Developmental and epileptic encephalopathy, 28. Last evaluated: 2024-09-20. Review status: criteria provided, single submitter. Criteria: ACMG Guidelines, 2015. Collection method: research. Allele origin: germline. Affected: yes.
Comment: PVS1, PM2, PM3

Blueprint Genetics
Classification: Pathogenic for WWOX-related disorders. Last evaluated: 2023-07-07. Review status: criteria provided, single submitter. Criteria: ACMG Guidelines, 2015. Collection method: clinical testing. Allele origin: germline. Affected: yes. Observed: 2 variant alleles.

Labcorp Genetics (formerly Invitae), Labcorp
Classification: Pathogenic for Developmental and epileptic encephalopathy, 1; Autosomal recessive spinocerebellar ataxia 12. Last evaluated: 2021-09-07. Review status: criteria provided, single submitter. Criteria: Invitae Variant Classification Sherloc (09022015). Collection method: clinical testing. Allele origin: germline.
Comment: This variant has been observed in individual(s) with epileptic encephalopathy (PMID: 27848944, 31623504). In at least one individual the data is consistent with the variant being in trans (on the opposite chromosome) from a pathogenic variant. ClinVar contains an entry for this variant (Variation ID: 373950). This variant is not present in population databases (ExAC no frequency). This sequence change creates a premature translational stop signal (p.Glu306Aspfs*21) in the WWOX gene. It is expected to result in an absent or disrupted protein product. Loss-of-function variants in WWOX are known to be pathogenic (PMID: 24456803, 25411445). For these reasons, this variant has been classified as Pathogenic.

Centre for Mendelian Genomics, University Medical Centre Ljubljana
Classification: Likely pathogenic for Developmental and epileptic encephalopathy, 28. Last evaluated: 2016-01-01. Review status: criteria provided, single submitter. Criteria: ACMG Guidelines, 2015. Collection method: clinical testing. Allele origin: unknown. Affected: yes.
Comment: This variant was classified as: Likely pathogenic.

Centre for Mendelian Genomics, University Medical Centre Ljubljana
Classification: Likely pathogenic for Epileptic encephalopathy. Last evaluated: 2016-04-18. Review status: no assertion criteria provided. Collection method: clinical testing. Allele origin: unknown. Affected: yes. Not counted in ClinVar's aggregate classification.

Literature cited by the submitters: PubMed 27848944 (cited by Labcorp Genetics (formerly Invitae), Labcorp); PubMed 31623504 (cited by Labcorp Genetics (formerly Invitae), Labcorp); PubMed 24456803 (cited by Labcorp Genetics (formerly Invitae), Labcorp); PubMed 25411445 (cited by Labcorp Genetics (formerly Invitae), Labcorp).